The following is an entry in ClinVar:

ClinVar aggregate classification (germline): Pathogenic (1 of 4 stars; one submission).

Submission:

Labcorp Genetics (formerly Invitae), Labcorp
Classification: Pathogenic. Last evaluated: 2024-08-17. Review status: criteria provided, single submitter. Criteria: Invitae Variant Classification Sherloc (09022015). Collection method: clinical testing. Allele origin: germline.
Comment: This sequence change creates a premature translational stop signal (p.Tyr5*) in the HPS3 gene. It is expected to result in an absent or disrupted protein product. Loss-of-function variants in HPS3 are known to be pathogenic (PMID: 11590544). This variant is not present in population databases (gnomAD no frequency). This premature translational stop signal has been observed in individual(s) with Hermansky-Pudlak syndrome (PMID: 31898847, 35886065). In at least one individual the data is consistent with being in trans (on the opposite chromosome) from a pathogenic variant. For these reasons, this variant has been classified as Pathogenic.

Literature cited by the submitters: PubMed 11590544; PubMed 31898847; PubMed 35886065.

NM_032383.5(HPS3):c.15C>A (p.Tyr5Ter)

Gene: HPS3 (HPS3 biogenesis of lysosomal organelles complex 2 subunit 1; plus strand). Cytogenetic location: 3q24.
Variant type: single nucleotide variant.
Coding change: c.15C>A on transcript NM_032383.5 (MANE Select); coding-DNA position 15, C replaced by A.
Protein change: p.Tyr5Ter; replaces tyrosine 5 with a stop codon.
Molecular consequence: nonsense.
Genome position (GRCh38, 1-based): chr3:149,129,738, C>A. VCF-style: chr3-149129738-C-A. GRCh37 (hg19) VCF-style: chr3-148847525-C-A.
Other names: c.15C>A, p.Tyr5Ter (NM_001308258.2); short protein forms Y5*.
Identifiers: ClinVar variation 3662719 (VCV003662719.2).